The following is an entry in ClinVar:

NM_015662.3(IFT172):c.3675G>A (p.Arg1225=)

Genes: IFT172 (intraflagellar transport 172; minus strand), LOC126806173 (BRD4-independent group 4 enhancer GRCh37_chr2:27676057-27677256; plus strand). Cytogenetic location: 2p23.3.
Variant type: single nucleotide variant.
Coding change: c.3675G>A on transcript NM_015662.3 (MANE Select); coding-DNA position 3675, G replaced by A.
Protein change: p.Arg1225=; no amino-acid change (arginine 1225 retained).
Molecular consequence: synonymous variant.
Genome position (GRCh38, 1-based): chr2:27,454,018, C>T on the plus strand (G>A on the coding strand, the complement: IFT172 is on the minus strand). VCF-style: chr2-27454018-C-T. GRCh37 (hg19) VCF-style: chr2-27676885-C-T.
Other names: c.3609G>A, p.Arg1203= (NM_001410739.1).
Identifiers: ClinVar variation 3348325 (VCV003348325.1).

ClinVar aggregate classification (germline): Likely benign (0 of 4 stars; one submission).

Conditions:
IFT172-related disorder. Also called: IFT172-related disorders; IFT172-related condition.

Submission:

PreventionGenetics, part of Exact Sciences
Classification: Likely benign for IFT172-related condition. Last evaluated: 2023-11-22. Review status: no assertion criteria provided. Collection method: clinical testing. Allele origin: germline.
Comment: This variant is classified as likely benign based on ACMG/AMP sequence variant interpretation guidelines (Richards et al. 2015 PMID: 25741868, with internal and published modifications).